The following is an entry in ClinVar:

NM_003036.4(SKI):c.2156_2173dup (p.Ala724_Glu725insGlySerGluGlyAlaAla)

Gene: SKI (SKI proto-oncogene; plus strand). Cytogenetic location: 1p36.32.
Variant type: Duplication.
Coding change: c.2156_2173dup on transcript NM_003036.4 (MANE Select); coding-DNA positions 2156 to 2173, 18 bases duplicated (GCAGCGAGGGCGCTGCGG).
Protein change: p.Ala724_Glu725insGlySerGluGlyAlaAla.
Genome position (GRCh38, 1-based): chr1:2,306,734-2,306,751, GCAGCGAGGGCGCTGCGG duplicated; duplicating any 18 consecutive bases within chr1:2,306,727-2,306,751 gives the same sequence; the c. name uses the placement nearest the transcript's 3' end. VCF-style (leftmost placement, unchanged base first): chr1-2306726-G-GGCTGCGGGCAGCGAGGGC. GRCh37 (hg19) VCF-style: chr1-2238165-G-GGCTGCGGGCAGCGAGGGC.
Identifiers: ClinVar variation 3032779 (VCV003032779.4), dbSNP rs2521524391, ClinGen allele CA2642723395.

ClinVar aggregate classification (germline): Uncertain significance. Review status: criteria provided, single submitter (1 of 4 stars). 2 submissions from 2 submitters: Uncertain significance (1). 1 of the submissions does not count toward it. Last evaluated 2024-09-29.

Conditions:
Shprintzen-Goldberg syndrome (SGS). Also called: SHPRINTZEN-GOLDBERG CRANIOSYNOSTOSIS SYNDROME; CRANIOSYNOSTOSIS WITH ARACHNODACTYLY AND ABDOMINAL HERNIAS; Marfanoid disorder with craniosynostosis type 1; Marfanoid craniosynostosis syndrome; Shprintzen-Goldberg marfanoid syndrome. Identifiers: Orphanet 2462, MedGen C1321551, MONDO:0008426, OMIM 182212.
SKI-related disorder. Also called: SKI-related condition.

Submissions (2):

Labcorp Genetics (formerly Invitae), Labcorp
Classification: Uncertain significance for Shprintzen-Goldberg syndrome. Last evaluated: 2024-09-29. Review status: criteria provided, single submitter. Criteria: Invitae Variant Classification Sherloc (09022015). Collection method: clinical testing. Allele origin: germline.
Comment: This variant, c.2156_2173dup, results in the insertion of 6 amino acid(s) of the SKI protein (p.Gly719_Ala724dup), but otherwise preserves the integrity of the reading frame. This variant is not present in population databases (gnomAD no frequency). This variant has not been reported in the literature in individuals affected with SKI-related conditions. In summary, the available evidence is currently insufficient to determine the role of this variant in disease. Therefore, it has been classified as a Variant of Uncertain Significance.

PreventionGenetics, part of Exact Sciences
Classification: Uncertain significance for SKI-related condition. Last evaluated: 2023-12-13. Review status: no assertion criteria provided. Collection method: clinical testing. Allele origin: germline. Not counted in ClinVar's aggregate classification.
Comment: The SKI c.2156_2173dup18 variant is predicted to result in an in-frame duplication (p.Gly719_Ala724dup). To our knowledge, this variant has not been reported in the literature or in a large population database, indicating this variant is rare. At this time, the clinical significance of this variant is uncertain due to the absence of conclusive functional and genetic evidence.